The following is an entry in ClinVar:

NM_012452.3(TNFRSF13B):c.494G>A (p.Ser165Asn)

Gene: TNFRSF13B (TNF receptor superfamily member 13B; minus strand). Cytogenetic location: 17p11.2.
Variant type: single nucleotide variant.
Coding change: c.494G>A on transcript NM_012452.3 (MANE Select); coding-DNA position 494, G replaced by A.
Protein change: p.Ser165Asn; replaces serine 165 with asparagine.
Molecular consequence: missense variant.
Genome position (GRCh38, 1-based): chr17:16,940,463, C>T on the plus strand (G>A on the coding strand, the complement: TNFRSF13B is on the minus strand). VCF-style: chr17-16940463-C-T. GRCh37 (hg19) VCF-style: chr17-16843777-C-T.
Other names: short protein forms S165N.
Identifiers: ClinVar variation 1307691 (VCV001307691.4), dbSNP rs550077773, ClinGen allele CA8413970.

ClinVar aggregate classification (germline): Uncertain significance. Review status: criteria provided, multiple submitters, no conflicts (2 of 4 stars). 2 submissions from 2 submitters: Uncertain significance (2). Last evaluated 2024-07-15.

Conditions:
Immunodeficiency, common variable, 2 (CVID2). Also called: ANTIBODY DEFICIENCY DUE TO TACI DEFECT; HYPOGAMMAGLOBULINEMIA DUE TO TACI DEFICIENCY. Identifiers: Orphanet 1572, MedGen C3150354, MONDO:0009413, OMIM 240500.

Allele frequency attached by ClinVar (database versions not stated): gnomAD exomes below 0.00001; ExAC 0.00001; gnomAD 0.00001; TOPMed 0.00001; 1000 Genomes Project 30x 0.00016; 1000 Genomes Project 0.00020.
gnomAD v4.1: 3 of 1,613,798 alleles (0.00019%); highest among the groups gnomAD compares: East Asian, 0.0045%; no homozygotes.

Submissions (2):

Labcorp Genetics (formerly Invitae), Labcorp
Classification: Uncertain significance for Immunodeficiency, common variable, 2. Last evaluated: 2024-07-15. Review status: criteria provided, single submitter. Criteria: Invitae Variant Classification Sherloc (09022015). Collection method: clinical testing. Allele origin: germline.
Comment: This sequence change replaces serine, which is neutral and polar, with asparagine, which is neutral and polar, at codon 165 of the TNFRSF13B protein (p.Ser165Asn). This variant is present in population databases (rs550077773, gnomAD 0.006%). This variant has not been reported in the literature in individuals affected with TNFRSF13B-related conditions. ClinVar contains an entry for this variant (Variation ID: 1307691). Advanced modeling of protein sequence and biophysical properties (such as structural, functional, and spatial information, amino acid conservation, physicochemical variation, residue mobility, and thermodynamic stability) has been performed at Invitae for this missense variant, however the output from this modeling did not meet the statistical confidence thresholds required to predict the impact of this variant on TNFRSF13B protein function. In summary, the available evidence is currently insufficient to determine the role of this variant in disease. Therefore, it has been classified as a Variant of Uncertain Significance.

GeneDx
Classification: Uncertain significance. Last evaluated: 2019-08-20. Review status: criteria provided, single submitter. Criteria: GeneDx Variant Classification Process June 2021. Collection method: clinical testing. Allele origin: germline. Affected: yes.
Comment: In silico analysis, which includes protein predictors and evolutionary conservation, supports that this variant does not alter protein structure/function; Has not been previously published as pathogenic or benign to our knowledge